The following is an entry in ClinVar:

NM_003742.4(ABCB11):c.3212G>C (p.Trp1071Ser)

Gene: ABCB11 (ATP binding cassette subfamily B member 11; minus strand). Cytogenetic location: 2q31.1.
Variant type: single nucleotide variant.
Coding change: c.3212G>C on transcript NM_003742.4 (MANE Select); coding-DNA position 3212, G replaced by C.
Protein change: p.Trp1071Ser; replaces tryptophan 1071 with serine.
Molecular consequence: missense variant.
Genome position (GRCh38, 1-based): chr2:168,932,378, C>G on the plus strand (G>C on the coding strand, the complement: ABCB11 is on the minus strand). VCF-style: chr2-168932378-C-G. GRCh37 (hg19) VCF-style: chr2-169788888-C-G.
Other names: short protein forms W1071S.
Identifiers: ClinVar variation 3639588 (VCV003639588.2).
Genomic context (GRCh38, chr2:168,932,378, plus strand): 5'-TCCCTGCAAAGGACATGAACTCATCCTTTTTTATGGCTGCATAGTATTCCAACACTTACC[C>G]ATTTTTCACCTGCAGTATTGTATACACTGATTGGGGGTTGTCGGTCCAGCAGTTGAAAAA-3'
Protein context (NP_003733.2, residues 1061-1081): ISVYNTAGEK[Trp1071Ser]DNFQGKIDFV

ClinVar aggregate classification (germline): Uncertain significance (1 of 4 stars; one submission).

Submission:

Labcorp Genetics (formerly Invitae), Labcorp
Classification: Uncertain significance. Last evaluated: 2024-03-15. Review status: criteria provided, single submitter. Criteria: Invitae Variant Classification Sherloc (09022015). Collection method: clinical testing. Allele origin: germline.
Comment: This sequence change replaces tryptophan, which is neutral and slightly polar, with serine, which is neutral and polar, at codon 1071 of the ABCB11 protein (p.Trp1071Ser). This variant is not present in population databases (gnomAD no frequency). This variant has not been reported in the literature in individuals affected with ABCB11-related conditions. An algorithm developed to predict the effect of missense changes on protein structure and function (PolyPhen-2) suggests that this variant is likely to be disruptive. In summary, the available evidence is currently insufficient to determine the role of this variant in disease. Therefore, it has been classified as a Variant of Uncertain Significance.